The following is an entry in ClinVar:

ClinVar aggregate classification (germline): Pathogenic (1 of 4 stars; one submission).

Conditions:
Hereditary diffuse gastric adenocarcinoma (HDGC). Also called: DIFFUSE GASTRIC AND LOBULAR BREAST CANCER SYNDROME. Identifiers: Orphanet 26106, MedGen C1708349, MONDO:0007648, OMIM 137215.

Submission:

Myriad Genetics, Inc.
Classification: Pathogenic for Hereditary diffuse gastric adenocarcinoma. Last evaluated: 2023-06-14. Review status: criteria provided, single submitter. Criteria: Myriad Autosomal Dominant, Autosomal Recessive and X-Linked Classification Criteria (2023). Collection method: clinical testing. Allele origin: unknown.
Comment: This variant is considered pathogenic. This variant creates a termination codon and is predicted to result in premature protein truncation.

NM_004360.5(CDH1):c.1489G>T (p.Glu497Ter)

Gene: CDH1 (cadherin 1; plus strand). Cytogenetic location: 16q22.1.
Variant type: single nucleotide variant.
Coding change: c.1489G>T on transcript NM_004360.5 (MANE Select); coding-DNA position 1489, G replaced by T.
Protein change: p.Glu497Ter; replaces glutamic acid 497 with a stop codon.
Molecular consequence: nonsense. On other transcripts: 5 prime UTR variant (2).
Genome position (GRCh38, 1-based): chr16:68,815,683, G>T. VCF-style: chr16-68815683-G-T. GRCh37 (hg19) VCF-style: chr16-68849586-G-T.
Other names: c.1306G>T, p.Glu436Ter (NM_001317184.2); c.-60G>T (NM_001317185.2); c.-331G>T (NM_001317186.2); short protein forms E436*, E497*.
Identifiers: ClinVar variation 2584133 (VCV002584133.2), dbSNP rs1567508990, ClinGen allele CA396463198.